The following is an entry in ClinVar:

NM_000127.3(EXT1):c.1536+5G>C

Gene: EXT1 (exostosin glycosyltransferase 1; minus strand). Cytogenetic location: 8q24.11.
Variant type: single nucleotide variant.
Coding change: c.1536+5G>C on transcript NM_000127.3 (MANE Select); 5 bases into the intron after coding-DNA position 1536, G replaced by C.
Molecular consequence: intron variant.
Genome position (GRCh38, 1-based): chr8:117,819,671, C>G on the plus strand (G>C on the coding strand, the complement: EXT1 is on the minus strand). VCF-style: chr8-117819671-C-G. GRCh37 (hg19) VCF-style: chr8-118831910-C-G.
Identifiers: ClinVar variation 2029513 (VCV002029513.4), dbSNP rs2488108981, ClinGen allele CA2580078550.
Genomic context (GRCh38, chr8:117,819,671, plus strand): 5'-GGAGGGCGGAGTCTCTGGTCTGGAGCTGGAGCAGGCAGGGGCTTCTCTGTCAACTTCCCG[C>G]TCACCTGGGCACAGTACTGGGACTTGGCTGCAGCCACGAGAAGCTTCAACACTGGCTGGG-3'

ClinVar aggregate classification (germline): Uncertain significance (1 of 4 stars; one submission).

Conditions:
Multiple congenital exostosis (EXT). Also called: MULTIPLE CARTILAGINOUS EXOSTOSES; Hereditary multiple osteochondromas; Multiple osteochondromas; Multiple exostoses; Hereditary multiple exostoses; Hereditary multiple exostosis. Identifiers: Orphanet 321, MedGen C0015306, MONDO:0005508, HP:0002762.

Submission:

Labcorp Genetics (formerly Invitae), Labcorp
Classification: Uncertain significance for Multiple congenital exostosis. Last evaluated: 2022-09-14. Review status: criteria provided, single submitter. Criteria: Invitae Variant Classification Sherloc (09022015). Collection method: clinical testing. Allele origin: germline.
Comment: In summary, the available evidence is currently insufficient to determine the role of this variant in disease. Therefore, it has been classified as a Variant of Uncertain Significance. This sequence change falls in intron 6 of the EXT1 gene. It does not directly change the encoded amino acid sequence of the EXT1 protein. It affects a nucleotide within the consensus splice site. This variant is not present in population databases (gnomAD no frequency). This variant has not been reported in the literature in individuals affected with EXT1-related conditions. Variants that disrupt the consensus splice site are a relatively common cause of aberrant splicing (PMID: 17576681, 9536098). Algorithms developed to predict the effect of sequence changes on RNA splicing suggest that this variant may disrupt the consensus splice site.

Literature cited by the submitters: PubMed 17576681; PubMed 9536098.